The following is an entry in ClinVar:

NM_000701.8(ATP1A1):c.1478A>C (p.His493Pro)

Genes: ATP1A1 (ATPase Na+/K+ transporting subunit alpha 1; plus strand), ATP1A1-AS1 (ATP1A1 antisense RNA 1; minus strand). Cytogenetic location: 1p13.1.
Variant type: single nucleotide variant.
Coding change: c.1478A>C on transcript NM_000701.8 (MANE Select); coding-DNA position 1478, A replaced by C.
Protein change: p.His493Pro; replaces histidine 493 with proline.
Molecular consequence: missense variant.
Genome position (GRCh38, 1-based): chr1:116,393,541, A>C. VCF-style: chr1-116393541-A-C. GRCh37 (hg19) VCF-style: chr1-116936163-A-C.
Other names: c.1478A>C, p.His493Pro (NM_001160233.2); c.1385A>C, p.His462Pro (NM_001160234.2); short protein forms H462P, H493P.
Identifiers: ClinVar variation 1312701 (VCV001312701.2), dbSNP rs2101051976, ClinGen allele CA341770781.

ClinVar aggregate classification (germline): Uncertain significance (1 of 4 stars; one submission).

Submission:

GeneDx
Classification: Uncertain significance. Last evaluated: 2020-06-25. Review status: criteria provided, single submitter. Criteria: GeneDx Variant Classification Process June 2021. Collection method: clinical testing. Allele origin: germline. Affected: yes.
Comment: Not observed in large population cohorts (Lek et al., 2016); In silico analysis supports a deleterious effect on splicing; Has not been previously published as pathogenic or benign to our knowledge